The following is an entry in ClinVar:

ClinVar aggregate classification (germline): Uncertain significance (1 of 4 stars; one submission).

Conditions:
Hereditary cancer-predisposing syndrome. Also called: Neoplastic Syndromes, Hereditary; Tumor predisposition; Hereditary Cancer Syndrome; Hereditary neoplastic syndrome. Identifiers: Orphanet 140162, MedGen C0027672, MeSH D009386, MONDO:0015356.

Allele frequency attached by ClinVar (database versions not stated): TOPMed below 0.00001; gnomAD 0.00001.
gnomAD v4.1: 1 of 1,612,378 alleles (0.000062%); highest among the groups gnomAD compares: Admixed American, 0.0017%; no homozygotes.

Submission:

Ambry Genetics
Classification: Uncertain significance for Hereditary cancer-predisposing syndrome. Last evaluated: 2025-04-14. Review status: criteria provided, single submitter. Criteria: Ambry Variant Classification Scheme 2023. Collection method: clinical testing. Allele origin: germline.
Comment: The p.H668Q variant (also known as c.2004C>A), located in coding exon 15 of the APC gene, results from a C to A substitution at nucleotide position 2004. The histidine at codon 668 is replaced by glutamine, an amino acid with highly similar properties. This amino acid position is highly conserved in available vertebrate species. In addition, in silico predictors for this gene do not accurately predict pathogenicity. Missense alterations in APC are not a common cause of disease (Spier I et al. Genet Med. 2024 Feb;26(2):100992). Based on the available evidence, the clinical significance of this variant remains unclear.

NM_000038.6(APC):c.2004C>A (p.His668Gln)

Gene: APC (APC regulator of Wnt signaling pathway; plus strand). Cytogenetic location: 5q22.2.
Variant type: single nucleotide variant.
Coding change: c.2004C>A on transcript NM_000038.6 (MANE Select); coding-DNA position 2004, C replaced by A.
Protein change: p.His668Gln; replaces histidine 668 with glutamine.
Molecular consequence: missense variant.
Genome position (GRCh38, 1-based): chr5:112,837,598, C>A. VCF-style: chr5-112837598-C-A. GRCh37 (hg19) VCF-style: chr5-112173295-C-A.
Other names: c.2004C>A, p.His668Gln (NM_001127510.3, NM_001354895.2); c.1950C>A, p.His650Gln (NM_001127511.3); c.2058C>A, p.His686Gln (NM_001354896.2); c.2034C>A, p.His678Gln (NM_001354897.2); c.1929C>A, p.His643Gln (NM_001354898.2); c.1920C>A, p.His640Gln (NM_001354899.2); c.1881C>A, p.His627Gln (NM_001354900.2); c.1827C>A, p.His609Gln (NM_001354901.2); and 5 more; short protein forms H650Q, H668Q, H385Q, H640Q, H643Q, H577Q, H508Q, H542Q.
Identifiers: ClinVar variation 485098 (VCV000485098.6), dbSNP rs1380127485, ClinGen allele CA16025696.